The following is an entry in ClinVar:

ClinVar aggregate classification (germline): Conflicting classifications of pathogenicity. Review status: criteria provided, conflicting classifications (1 of 4 stars). 18 submissions from 18 submitters: Likely pathogenic (13); Uncertain significance (5). Last evaluated 2026-01-16.

Conditions:
Carnitine deficiency. Identifiers: MedGen C1142132.
SLC22A5-related disorder. Also called: SLC22A5-related condition.
Renal carnitine transport defect (CDSP). Also called: Carnitine Deficiency, Systemic; CARNITINE DEFICIENCY, SYSTEMIC, DUE TO DEFECT IN RENAL REABSORPTION OF CARNITINE; CARNITINE TRANSPORTER, PLASMA-MEMBRANE, DEFICIENCY OF; CARNITINE UPTAKE DEFECT; Systemic primary carnitine deficiency; Primary carnitine deficiency. Identifiers: Orphanet 158, MedGen C0342788, MONDO:0008919, OMIM 212140.

Allele frequency attached by ClinVar (database versions not stated): gnomAD exomes 0.00023 and 0.00010; gnomAD 0.00007; ESP Exome Variant Server 0.00008; ExAC 0.00012; TOPMed 0.00013.
gnomAD v4.1: 335 of 1,614,044 alleles (0.021%); highest among the groups gnomAD compares: Non-Finnish European, 0.027%; no homozygotes.

Submissions (18):

Labcorp Genetics (formerly Invitae), Labcorp
Classification: Likely pathogenic for Renal carnitine transport defect. Last evaluated: 2026-01-16. Review status: criteria provided, single submitter. Criteria: Invitae Variant Classification Sherloc (09022015). Collection method: clinical testing. Allele origin: germline.
Comment: This sequence change replaces arginine, which is basic and polar, with glutamine, which is neutral and polar, at codon 254 of the SLC22A5 protein (p.Arg254Gln). This variant is present in population databases (rs200699819, gnomAD 0.02%). This missense change has been observed in individual(s) with low plasma carnitine levels and primary carnitine deficiency (PMID: 26828774, 28711408, 37510298; internal data). ClinVar contains an entry for this variant (Variation ID: 25389). Invitae Evidence Modeling of protein sequence and biophysical properties (such as structural, functional, and spatial information, amino acid conservation, physicochemical variation, residue mobility, and thermodynamic stability) indicates that this missense variant is expected to disrupt SLC22A5 protein function with a positive predictive value of 95%. Experimental studies have shown that this missense change does not substantially affect SLC22A5 function (PMID: 28841266). In summary, the currently available evidence indicates that the variant is pathogenic, but additional data are needed to prove that conclusively. Therefore, this variant has been classified as Likely Pathogenic.

PreventionGenetics, part of Exact Sciences
Classification: Likely pathogenic for SLC22A5-related condition. Last evaluated: 2025-11-14. Review status: criteria provided, single submitter. Criteria: ACMG Guidelines, 2015. Collection method: clinical testing. Allele origin: germline.
Comment: The SLC22A5 c.761G>A variant is predicted to result in the amino acid substitution p.Arg254Gln. This variant has been reported with a second SLC22A5 variant in individuals with primary carnitine deficiency (Gallant et al. 2017. PubMed ID: 28711408; Zhou et al. 2019. PubMed ID: 30863740; Yang et al. 2021. PubMed ID: 34249102; PreventionGenetics Internal Data). This variant is reported in 0.015% of alleles in individuals of European (non-Finnish) descent in gnomAD. This variant is interpreted as likely pathogenic.

Natera, Inc.
Classification: Likely pathogenic for Carnitine deficiency. Last evaluated: 2025-09-16. Review status: criteria provided, single submitter. Criteria: Natera Variant Classification Schema (03/2026). Collection method: clinical testing. Allele origin: germline.
Comment: The c.761G>A variant in SLC22A5 is a missense variant predicted to cause substitution of arginine to glutamine at amino acid 254. This variant is rare in the general population with a frequency below the threshold expected for the associated phenotype(s). This variant has been observed in one or more individuals affected with the associated recessive disease, as either homozygous or compound heterozygous with a second variant (PMID: 28711408, 34249102, 30863740). This variant has been identified in one or more affected individual with a phenotype highly consistent with the associated gene (PMID: 28711408). Computational prediction algorithms indicate this variant is likely to affect gene or protein function. Given the available evidence, this variant is classified as Likely Pathogenic.

Dasa
Classification: Likely pathogenic. Last evaluated: 2025-06-27. Review status: criteria provided, single submitter. Criteria: DASA Assertion Criteria. Collection method: clinical testing. Allele origin: germline.
Comment: NM_003060.4(SLC22A5):c.761G>A (p.Arg254Gln) is a missense variant that results in the substitution of arginine with glutamine. This variant has been recurrently observed in individuals with SLC22A5-related disorders (PMID: 26828774; PMID: 28711408; PMID: 37510298). Functional evidence supports an impact on the gene or gene product. Also, this variant is rare in population databases. Based on the currently available evidence, this variant is classified as likely pathogenic.

Mayo Clinic Laboratories, Mayo Clinic
Classification: Likely pathogenic. Last evaluated: 2025-06-27. Review status: criteria provided, single submitter. Criteria: ACMG Guidelines, 2015. Collection method: clinical testing. Allele origin: germline. Observed: 2 variant alleles.
Comment: PM2_supporting, PM3_strong, PS3_supporting

Women's Health and Genetics/Laboratory Corporation of America, LabCorp
Classification: Likely pathogenic for Renal carnitine transport defect. Last evaluated: 2025-05-21. Review status: criteria provided, single submitter. Criteria: LabCorp Variant Classification Summary - May 2015. Collection method: clinical testing. Allele origin: germline.
Comment: Variant summary: SLC22A5 c.761G>A (p.Arg254Gln) results in a conservative amino acid change located in the Major facilitator superfamily domain (IPR020846) of the encoded protein sequence. Algorithms developed to predict the effect of missense changes on protein structure and function are either unavailable or do not agree on the potential impact of this missense change. The variant allele was found at a frequency of 9.9e-05 in 251486 control chromosomes (gnomAD). This frequency is not significantly higher than estimated for a pathogenic variant in SLC22A5 causing Systemic Primary Carnitine Deficiency (9.9e-05 vs 0.0046), allowing no conclusion about variant significance. c.761G>A has been observed in individuals affected with Systemic Primary Carnitine Deficiency (Gallant_2017, Zhou_2019, Yang_2021, internal data). These data indicate that the variant is likely to be associated with disease. Experimental evidence evaluating an impact on protein function demonstrated the variant retained significant residual carnitine transport activity (Frigeni_2017). The following publications have been ascertained in the context of this evaluation (PMID: 32778825, 28841266, 28711408, 37510298, 26828774, 34178604, 34249102, 30863740). ClinVar contains an entry for this variant (Variation ID: 25389). Based on the evidence outlined above, the variant was classified as likely pathogenic.

Myriad Genetics, Inc.
Classification: Likely pathogenic for Renal carnitine transport defect. Last evaluated: 2025-02-19. Review status: criteria provided, single submitter. Criteria: Myriad Autosomal Dominant, Autosomal Recessive and X-Linked Classification Criteria (2023). Collection method: clinical testing. Allele origin: unknown.
Comment: NM_003060.3(SLC22A5):c.761G>A(R254Q) is a missense variant classified as likely pathogenic in the context of primary carnitine deficiency. R254Q has been observed in cases with relevant disease (PMID: 28711408, 30863740, 34178604, 34249102, Oishi_2018_(Abstract), Wang_2022_(Article)). Relevant functional assessments of this variant are available in the literature (PMID: 28841266). R254Q has been observed in referenced population frequency databases. In summary, NM_003060.3(SLC22A5):c.761G>A(R254Q) is a missense variant that has been observed more frequently in cases with the relevant disease than in healthy populations. Please note: this variant was assessed in the context of healthy population screening.

Blueprint Genetics
Classification: Likely pathogenic for SLC22A5-related disorders. Last evaluated: 2024-10-29. Review status: criteria provided, single submitter. Criteria: ACMG Guidelines, 2015. Collection method: clinical testing. Allele origin: germline. Affected: yes. Observed: 5 variant alleles.

3billion
Classification: Likely pathogenic for Renal carnitine transport defect. Last evaluated: 2024-07-19. Review status: criteria provided, single submitter. Criteria: ACMG Guidelines, 2015. Collection method: clinical testing. Allele origin: germline. Affected: yes.
Comment: The variant is observed at an extremely low frequency in the gnomAD v4.0.0 dataset (total allele frequency: 0.021%). Predicted Consequence/Location: Missense variant In silico tool predictions suggest damaging effect of the variant on gene or gene product [REVEL: 0.62 (>=0.6, sensitivity 0.68 and specificity 0.92); 3Cnet: 0.99 (>=0.6, sensitivity 0.72 and precision 0.9)]. The same nucleotide change resulting in the same amino acid change has been previously reported to be associated with SLC22A5 related disorder (PMID: 28711408).The variant has been reported to be in trans with a pathogenic variant as either compound heterozygous or homozygous in at least 2 similarly affected unrelated individuals (PMID: 33560599). Therefore, this variant is classified as Likely pathogenic according to the recommendation of ACMG/AMP guideline.

GeneDx
Classification: Uncertain significance. Last evaluated: 2024-06-12. Review status: criteria provided, single submitter. Criteria: GeneDx Variant Classification Process June 2021. Collection method: clinical testing. Allele origin: germline. Affected: yes.
Comment: Identified with a second SLC22A5 variant in a newborn identified via newborn screening, however, the phase of these variants and clinical follow up were not provided (PMID: 28711408); Functional studies demonstrate p.(R254Q) results in 34% carnitine transport activity compared to wildtype (PMID: 28841266); In silico analysis supports that this missense variant has a deleterious effect on protein structure/function; This variant is associated with the following publications: (PMID: 30863740, 32778825, 28841266, 28711408, 34178604, 37510298, 26828774)

Fulgent Genetics
Classification: Likely pathogenic for Renal carnitine transport defect. Last evaluated: 2024-04-30. Review status: criteria provided, single submitter. Criteria: ACMG Guidelines, 2015. Collection method: clinical testing. Allele origin: germline.

Laboratory of Medical Genetics, National & Kapodistrian University of Athens
Classification: Likely pathogenic for Renal carnitine transport defect. Last evaluated: 2024-02-01. Review status: criteria provided, single submitter. Criteria: ACMG Guidelines, 2015. Collection method: curation. Allele origin: germline. Affected: no.

Revvity Omics, Revvity
Classification: Likely pathogenic for Renal carnitine transport defect. Last evaluated: 2022-09-09. Review status: criteria provided, single submitter. Criteria: ACMG Guidelines, 2015. Collection method: clinical testing. Allele origin: germline.

Genome-Nilou Lab
Classification: Uncertain significance for Renal carnitine transport defect. Last evaluated: 2021-07-15. Review status: criteria provided, single submitter. Criteria: ACMG Guidelines, 2015. Collection method: clinical testing. Allele origin: germline. Affected: no.

ARUP Laboratories, Molecular Genetics and Genomics, ARUP Laboratories
Classification: Uncertain significance. Last evaluated: 2017-08-02. Review status: criteria provided, single submitter. Criteria: ARUP Molecular Germline Variant Investigation Process. Collection method: clinical testing. Allele origin: germline.

Illumina Laboratory Services, Illumina
Classification: Uncertain significance for Renal carnitine transport defect. Last evaluated: 2017-04-27. Review status: criteria provided, single submitter. Criteria: ICSL Variant Classification Criteria 13 December 2019. Collection method: clinical testing. Allele origin: germline.

Eurofins Ntd Llc (ga)
Classification: Uncertain significance. Last evaluated: 2015-12-23. Review status: criteria provided, single submitter. Criteria: EGL Classification Definitions 2015. Collection method: clinical testing. Allele origin: germline. Observed: 1 variant allele, 1 heterozygote.

Juno Genomics, Hangzhou Juno Genomics, Inc
Classification: Likely pathogenic for Renal carnitine transport defect. Review status: criteria provided, single submitter. Criteria: ACMG Guidelines, 2015. Collection method: clinical testing. Allele origin: germline. Affected: yes.
Comment: Absent from controls (or at extremely low frequency if recessive) in Genome Aggregation Database, Exome Sequencing Project, 1000 Genomes Project, or Exome Aggregation Consortium.;For recessive disorders, detected in trans with a pathogenic variant.;Patient's phenotype or family history is highly specific for a disease with a single genetic etiology.

Literature cited by the submitters: PubMed 26828774 (cited by 4 submitters); PubMed 28711408 (cited by 6 submitters); PubMed 37510298 (cited by 4 submitters); PubMed 2 (cited by Labcorp Genetics (formerly Invitae), Labcorp); PubMed 28841266 (cited by 5 submitters); PubMed 34249102 (cited by 3 submitters); PubMed 30863740 (cited by 3 submitters); PubMed 32778825 (cited by Mayo Clinic Laboratories, Mayo Clinic and Women's Health and Genetics/Laboratory Corporation of America, LabCorp); PubMed 34178604 (cited by Mayo Clinic Laboratories, Mayo Clinic and Women's Health and Genetics/Laboratory Corporation of America, LabCorp); PubMed 33560599 (cited by 3billion).

NM_003060.4(SLC22A5):c.761G>A (p.Arg254Gln)

Gene: SLC22A5 (solute carrier family 22 member 5; plus strand). Cytogenetic location: 5q31.1.
Variant type: single nucleotide variant.
Coding change: c.761G>A on transcript NM_003060.4 (MANE Select); coding-DNA position 761, G replaced by A.
Protein change: p.Arg254Gln; replaces arginine 254 with glutamine.
Molecular consequence: missense variant.
Genome position (GRCh38, 1-based): chr5:132,385,436, G>A. VCF-style: chr5-132385436-G-A. GRCh37 (hg19) VCF-style: chr5-131721128-G-A.
Other names: c.833G>A, p.Arg278Gln (NM_001308122.2); short protein forms R278Q.
Identifiers: ClinVar variation 25389 (VCV000025389.53), dbSNP rs200699819, ClinGen allele CA342646.